The following is an entry in ClinVar:

ClinVar aggregate classification (germline): Uncertain significance (1 of 4 stars; one submission).

Conditions:
Jeune thoracic dystrophy. Also called: Jeune syndrome; Infantile thoracic dystrophy; Thoracic pelvic phalangeal dystrophy; Jeune's syndrome; Chondroectodermal dysplasia-like syndrome; Short-rib thoracic dysplasia. Identifiers: Orphanet 474, MedGen C0265275, MONDO:0018770.

gnomAD v4.1: 2 of 1,613,572 alleles (0.00012%); highest among the groups gnomAD compares: Middle Eastern, 0.017%; no homozygotes.

Submission:

Labcorp Genetics (formerly Invitae), Labcorp
Classification: Uncertain significance for Jeune thoracic dystrophy. Last evaluated: 2025-10-27. Review status: criteria provided, single submitter. Criteria: Invitae Variant Classification Sherloc (09022015). Collection method: clinical testing. Allele origin: germline.
Comment: This sequence change replaces serine, which is neutral and polar, with threonine, which is neutral and polar, at codon 3853 of the DYNC2H1 protein (p.Ser3853Thr). This variant is not present in population databases (gnomAD no frequency). This variant has not been reported in the literature in individuals affected with DYNC2H1-related conditions. Invitae Evidence Modeling of protein sequence and biophysical properties (such as structural, functional, and spatial information, amino acid conservation, physicochemical variation, residue mobility, and thermodynamic stability) has been performed for this missense variant. However, the output from this modeling did not meet the statistical confidence thresholds required to predict the impact of this variant on DYNC2H1 protein function. In summary, the available evidence is currently insufficient to determine the role of this variant in disease. Therefore, it has been classified as a Variant of Uncertain Significance.

NM_001377.3(DYNC2H1):c.11536T>A (p.Ser3846Thr)

Gene: DYNC2H1 (dynein cytoplasmic 2 heavy chain 1; plus strand). Cytogenetic location: 11q22.3.
Variant type: single nucleotide variant.
Coding change: c.11536T>A on transcript NM_001377.3 (MANE Select); coding-DNA position 11536, T replaced by A.
Protein change: p.Ser3846Thr; replaces serine 3846 with threonine.
Molecular consequence: missense variant.
Genome position (GRCh38, 1-based): chr11:103,311,920, T>A. VCF-style: chr11-103311920-T-A. GRCh37 (hg19) VCF-style: chr11-103182649-T-A.
Other names: c.11557T>A, p.Ser3853Thr (NM_001080463.2); short protein forms S3846T, S3853T.
Identifiers: ClinVar variation 4779094 (VCV004779094.1).